The following is an entry in ClinVar:

NM_001001331.4(ATP2B2):c.2924A>G (p.Lys975Arg)

Gene: ATP2B2 (ATPase plasma membrane Ca2+ transporting 2; minus strand). Cytogenetic location: 3p25.3.
Variant type: single nucleotide variant.
Coding change: c.2924A>G on transcript NM_001001331.4 (MANE Select); coding-DNA position 2924, A replaced by G.
Protein change: p.Lys975Arg; replaces lysine 975 with arginine.
Molecular consequence: missense variant.
Genome position (GRCh38, 1-based): chr3:10,340,698, T>C on the plus strand (A>G on the coding strand, the complement: ATP2B2 is on the minus strand). VCF-style: chr3-10340698-T-C. GRCh37 (hg19) VCF-style: chr3-10382382-T-C.
Other names: c.2789A>G, p.Lys930Arg (NM_001330611.3, NM_001353564.1, NM_001363862.1 and 2 more transcripts); c.2831A>G, p.Lys944Arg (NM_001438646.1); short protein forms K930R, K944R, K975R.
Identifiers: ClinVar variation 4281520 (VCV004281520.7).

ClinVar aggregate classification (germline): Likely benign (1 of 4 stars; one submission).

gnomAD v4.1: 10 of 1,613,844 alleles (0.00062%); highest among the groups gnomAD compares: Non-Finnish European, 0.00059%; no homozygotes.

Submission:

CeGaT Center for Human Genetics Tuebingen
Classification: Likely benign. Last evaluated: 2025-09-01. Review status: criteria provided, single submitter. Criteria: CeGaT Center For Human Genetics Tuebingen Variant Classification Criteria Version 2. Collection method: clinical testing. Allele origin: germline. Affected: yes. Observed: 1 variant allele.
Comment: ATP2B2: BS2